The following is an entry in ClinVar:

NM_001370259.2(MEN1):c.1386C>G (p.Ala462=)

Gene: MEN1 (menin 1; minus strand). Cytogenetic location: 11q13.1.
Variant type: single nucleotide variant.
Coding change: c.1386C>G on transcript NM_001370259.2 (MANE Select); coding-DNA position 1386, C replaced by G.
Protein change: p.Ala462=; no amino-acid change (alanine 462 retained).
Molecular consequence: synonymous variant.
Genome position (GRCh38, 1-based): chr11:64,804,781, G>C on the plus strand (C>G on the coding strand, the complement: MEN1 is on the minus strand). VCF-style: chr11-64804781-G-C. GRCh37 (hg19) VCF-style: chr11-64572253-G-C.
Other names: c.1386C>G, p.Ala462= (NM_001370260.2, NM_001370261.2, NM_130799.3); c.1281C>G, p.Ala427= (NM_001370262.2, NM_001370263.2); c.1401C>G, p.Ala467= (NM_130800.3, NM_130801.3, NM_000244.4 and 3 more transcripts); c.1512C>G, p.Ala504= (NM_001370251.2).
Identifiers: ClinVar variation 241803 (VCV000241803.14), dbSNP rs771827808, ClinGen allele CA10582928.

ClinVar aggregate classification (germline): Benign/Likely benign. Review status: criteria provided, multiple submitters, no conflicts (2 of 4 stars). 4 submissions from 4 submitters: Benign (1); Likely benign (3). Last evaluated 2025-06-14.

Conditions:
Hereditary cancer-predisposing syndrome. Also called: Neoplastic Syndromes, Hereditary; Tumor predisposition; Hereditary neoplastic syndrome; Hereditary Cancer Syndrome. Identifiers: Orphanet 140162, MedGen C0027672, MeSH D009386, MONDO:0015356.
Multiple endocrine neoplasia, type 1 (MEN1). Also called: MEN I; WERMER SYNDROME; Endocrine adenomatosis multiple; MEN 1; MEA I. Identifiers: Orphanet 652, MedGen C0025267, MeSH D018761, MONDO:0007540, OMIM 131100.

Submissions (4):

Labcorp Genetics (formerly Invitae), Labcorp
Classification: Likely benign for Multiple endocrine neoplasia, type 1. Last evaluated: 2025-06-14. Review status: criteria provided, single submitter. Criteria: Invitae Variant Classification Sherloc (09022015). Collection method: clinical testing. Allele origin: germline.

Color Diagnostics, LLC DBA Color Health
Classification: Likely benign for Multiple endocrine neoplasia, type 1. Last evaluated: 2025-06-09. Review status: criteria provided, single submitter. Criteria: ACMG Guidelines, 2015. Collection method: clinical testing. Allele origin: germline.

Myriad Genetics, Inc.
Classification: Benign for Multiple endocrine neoplasia, type 1. Last evaluated: 2024-11-05. Review status: criteria provided, single submitter. Criteria: Myriad Autosomal Dominant, Autosomal Recessive and X-Linked Classification Criteria (2023). Collection method: clinical testing. Allele origin: unknown.
Comment: This variant is considered benign. This variant is a silent/synonymous amino acid change and it is not expected to impact splicing.

Ambry Genetics
Classification: Likely benign for Hereditary cancer-predisposing syndrome. Last evaluated: 2022-03-14. Review status: criteria provided, single submitter. Criteria: Ambry Variant Classification Scheme 2023. Collection method: clinical testing. Allele origin: germline.